The following is an entry in ClinVar:

ClinVar aggregate classification (germline): Benign. Review status: criteria provided, multiple submitters, no conflicts (2 of 4 stars). 2 submissions from 2 submitters: Benign (2). Last evaluated 2018-01-12.

Conditions:
Congenital stationary night blindness 1C. Also called: Night blindness, congenital stationary (complete), 1C, autosomal recessive. Identifiers: Orphanet 215, MedGen C2750747, MONDO:0013183, OMIM 613216.

Allele frequency attached by ClinVar (database versions not stated): gnomAD exomes 0.50000; 1000 Genomes Project 0.52137; 1000 Genomes Project 30x 0.52967; gnomAD 0.53803; TOPMed 0.55197.

Submissions (2):

Illumina Laboratory Services, Illumina
Classification: Benign for Congenital stationary night blindness 1C. Last evaluated: 2018-01-12. Review status: criteria provided, single submitter. Criteria: ICSL Variant Classification Criteria 13 December 2019. Collection method: clinical testing. Allele origin: germline.
Comment: This variant was observed in the ICSL laboratory as part of a predisposition screen in an ostensibly healthy population. It had not been previously curated by ICSL or reported in the Human Gene Mutation Database (HGMD: prior to June 1st, 2018), and was therefore a candidate for classification through an automated scoring system. Utilizing variant allele frequency, disease prevalence and penetrance estimates, and inheritance mode, an automated score was calculated to assess if this variant is too frequent to cause the disease. Based on the score and internal cut-off values, a variant classified as benign is not then subjected to further curation. The score for this variant resulted in a classification of benign for this disease.

Breakthrough Genomics
Classification: Benign. Review status: criteria provided, single submitter. Criteria: ACMG Guidelines, 2015. Collection method: not provided. Allele origin: germline. Inheritance: Unknown mechanism. Affected: yes.

NM_001252024.2(TRPM1):c.*571G>A

Gene: TRPM1 (transient receptor potential cation channel subfamily M member 1; minus strand). Cytogenetic location: 15q13.3.
Variant type: single nucleotide variant.
Coding change: c.*571G>A on transcript NM_001252024.2 (MANE Select); 571 bases downstream of the stop codon, G replaced by A.
Molecular consequence: 3 prime UTR variant.
Genome position (GRCh38, 1-based): chr15:31,001,251, C>T on the plus strand (G>A on the coding strand, the complement: TRPM1 is on the minus strand). VCF-style: chr15-31001251-C-T. GRCh37 (hg19) VCF-style: chr15-31293454-C-T.
Other names: c.*571G>A (NM_001252020.2, NM_002420.6).
Identifiers: ClinVar variation 315480 (VCV000315480.6), dbSNP rs11070718, ClinGen allele CA10645627.